The following is an entry in ClinVar:

ClinVar aggregate classification (germline): Benign. Review status: criteria provided, single submitter (1 of 4 stars). 2 submissions from 2 submitters: Benign (1). 1 of the submissions does not count toward it. Last evaluated 2016-12-20.

Conditions:
Polycystic kidney disease. Also called: Kidney, Polycystic; Polycystic kidney dysplasia. Identifiers: MedGen C0022680, MeSH D007690, MONDO:0020642, HP:0000113.

Allele frequency attached by ClinVar (database versions not stated): gnomAD 0.00005 and 0.00006; gnomAD exomes 0.00005 and 0.00014; TOPMed 0.00006; ExAC 0.00013.
gnomAD v4.1: 77 of 1,612,374 alleles (0.0048%); highest among the groups gnomAD compares: East Asian, 0.085%; no homozygotes.

Submissions (2):

ARUP Laboratories, Molecular Genetics and Genomics, ARUP Laboratories
Classification: Benign. Last evaluated: 2016-12-20. Review status: criteria provided, single submitter. Criteria: ARUP Molecular Germline Variant Investigation Process. Collection method: clinical testing. Allele origin: germline.

Department of Pathology and Laboratory Medicine, Sinai Health System
Classification: Likely benign for Polycystic Kidney disease. Review status: no assertion criteria provided. Collection method: clinical testing. Allele origin: unknown. Affected: yes. Study: The Canadian Open Genetics Repository (COGR). Not counted in ClinVar's aggregate classification.
Comment: The PKD1 p.Leu1635= variant was not identified in the literature nor was it identified in the LOVD 3.0, ADPKD Mutation Database or PKD1-LOVD databases. The variant was identified in dbSNP (rs748967532) as â€šÃ„Ãºwith benign alleleâ€šÃ„Ã¹ and ClinVar (classified as benign by ARUP laboratories). The variant was identified in control databases in 37 of 274,108 chromosomes at a frequency of 0.0001 (Genome Aggregation Database Feb 27, 2017). The variant was observed in the East Asian population in 37 of 18,812 chromosomes (freq: 0.002, increasing the likelihood this could be a low frequency benign variant); it was not observed in the African, Other, Latino, European, Ashkenazi Jewish, Finnish, or South Asian populations. The p.Leu1635= variant is not expected to have clinical significance because it does not result in a change of amino acid and is not located in a known consensus splice site. The variant occurs at a non-highly conserved nucleotide outside of the splicing consensus sequence and in silico or computational prediction software programs (SpliceSiteFinder, MaxEntScan, NNSPLICE, GeneSplicer) do not predict a difference in splicing. In summary, based on the above information, the clinical significance of this variant cannot be determined with certainty at this time although we would lean towards a more benign role for this variant. This variant is classified as likely benign.rnAssessment Date: 2019/08/26

NM_001009944.3(PKD1):c.4905G>A (p.Leu1635=)

Gene: PKD1 (polycystin 1, transient receptor potential channel interacting; minus strand). Cytogenetic location: 16p13.3.
Variant type: single nucleotide variant.
Coding change: c.4905G>A on transcript NM_001009944.3 (MANE Select); coding-DNA position 4905, G replaced by A.
Protein change: p.Leu1635=; no amino-acid change (leucine 1635 retained).
Molecular consequence: synonymous variant.
Genome position (GRCh38, 1-based): chr16:2,110,262, C>T on the plus strand (G>A on the coding strand, the complement: PKD1 is on the minus strand). VCF-style: chr16-2110262-C-T. GRCh37 (hg19) VCF-style: chr16-2160263-C-T.
Other names: c.4905G>A, p.Leu1635= (NM_000296.4).
Identifiers: ClinVar variation 440110 (VCV000440110.9), dbSNP rs748967532, ClinGen allele CA7832198.
Genomic context (GRCh38, chr16:2,110,262, plus strand): 5'-CACGGCCTGCAGCTGTACCGTGTGGTTGGTGGGGAAGTAGCGGCCACCGCCCACCACCTG[C>T]AGCCCCTCTATGAGCTGCAGGACATAGACGAAGATGCTGTCCTGGGCGGAGCCCACCTCG-3'
Protein context (NP_001009944.3, residues 1625-1645): FVYVLQLIEG[Leu1635=]QVVGGGRYFP